The following is an entry in ClinVar:

ClinVar aggregate classification (germline): Uncertain significance. Review status: criteria provided, multiple submitters, no conflicts (2 of 4 stars). 2 submissions from 2 submitters: Uncertain significance (2). Last evaluated 2026-06-23.

Conditions:
FGFR3-related chondrodysplasia. Identifiers: Orphanet 93420, MedGen C5681604, MONDO:0019685.

Allele frequency attached by ClinVar (database versions not stated): gnomAD exomes below 0.00001; TOPMed below 0.00001.

Submissions (2):

Genomenon, Inc
Classification: Uncertain significance for FGFR3-related chondrodysplasia. Last evaluated: 2026-06-23. Review status: criteria provided, single submitter. Criteria: Genomenon Sequence Variant Interpretation Standards - Updated. Collection method: curation. Allele origin: germline. Affected: no.
Comment: FGFR3 p.Ser430Phe (c.1289C>T) is a missense variant that changes the amino acid at codon 430 from Serine to Phenylalanine. This variant has been reported in the published literature (PMID:41062690). It is absent or not present at a significant frequency in gnomAD. In silico models predict that this variant is possibly or probably damaging. In conclusion, we classify FGFR3 p.Ser430Phe (c.1289C>T) as a variant of uncertain significance.

GeneDx
Classification: Uncertain significance. Last evaluated: 2022-06-01. Review status: criteria provided, single submitter. Criteria: GeneDx Variant Classification Process June 2021. Collection method: clinical testing. Allele origin: germline. Affected: yes.
Comment: Not observed at significant frequency in large population cohorts (gnomAD); In silico analysis supports that this missense variant has a deleterious effect on protein structure/function; Has not been previously published as pathogenic or benign to our knowledge

Literature cited by the submitters: PubMed 41062690 (cited by Genomenon, Inc).

NM_000142.5(FGFR3):c.1289C>T (p.Ser430Phe)

Gene: FGFR3 (fibroblast growth factor receptor 3; plus strand). Cytogenetic location: 4p16.3.
Variant type: single nucleotide variant.
Coding change: c.1289C>T on transcript NM_000142.5 (MANE Select); coding-DNA position 1289, C replaced by T.
Protein change: p.Ser430Phe; replaces serine 430 with phenylalanine.
Molecular consequence: missense variant. On other transcripts: non-coding transcript variant (1).
Genome position (GRCh38, 1-based): chr4:1,804,846, C>T. VCF-style: chr4-1804846-C-T. GRCh37 (hg19) VCF-style: chr4-1806573-C-T.
Other names: c.1295C>T, p.Ser432Phe (NM_001163213.2); c.1292C>T, p.Ser431Phe (NM_001354809.2, NM_001354810.2); c.953C>T, p.Ser318Phe (NM_022965.4); short protein forms S318F, S430F, S431F, S432F.
Identifiers: ClinVar variation 1802138 (VCV001802138.2), dbSNP rs1721677204, ClinGen allele CA355980075.
Genomic context (GRCh38, chr4:1,804,846, plus strand): 5'-CCCACGCGGCGCCAACCTGCCCCTGCTGACCCAAGCAGGTGTCCCTGGAGTCCAACGCGT[C>T]CATGAGCTCCAACACACCACTGGTGCGCATCGCAAGGCTGTCCTCAGGGGAGGGCCCCAC-3'
Protein context (NP_000133.1, residues 420-440): KRQVSLESNA[Ser430Phe]MSSNTPLVRI